The following is an entry in ClinVar:

ClinVar aggregate classification (germline): Pathogenic/Likely pathogenic. Review status: criteria provided, multiple submitters, no conflicts (2 of 4 stars). 5 submissions from 4 submitters: Pathogenic (1); Likely pathogenic (3). 1 of the submissions does not count toward it. Last evaluated 2024-03-29.

Conditions:
Familial Mediterranean fever (FMF). Also called: POLYSEROSITIS, FAMILIAL PAROXYSMAL; POLYSEROSITIS, RECURRENT; Periodic peritonitis; Benign paroxysmal peritonitis. Identifiers: Orphanet 342, MedGen C0031069, MONDO:0018088, OMIM 249100. Disease mechanism: gain of function.
Familial Mediterranean fever, autosomal dominant. Also called: FMF, AUTOSOMAL DOMINANT; Dominant Familial Mediterranean Fever. Identifiers: Orphanet 342, MedGen C1851347, MONDO:0007601, OMIM 134610.
Acute febrile neutrophilic dermatosis (AFND). Also called: Gomm Button disease; Sweet Syndrome. Identifiers: Orphanet 3243, MedGen C0085077, MONDO:0011959, OMIM 608068.
Neuronal ceroid lipofuscinosis. Also called: Neuronal Ceroid Lipofuscinoses. Identifiers: Orphanet 216, Orphanet 79263, MedGen C0027877, MONDO:0016295. Disease mechanism: loss of function.

Submissions (5):

Women's Health and Genetics/Laboratory Corporation of America, LabCorp
Classification: Likely pathogenic for Neuronal ceroid lipofuscinosis. Last evaluated: 2024-03-29. Review status: criteria provided, single submitter. Criteria: LabCorp Variant Classification Summary - May 2015. Collection method: clinical testing. Allele origin: germline.

Women's Health and Genetics/Laboratory Corporation of America, LabCorp
Classification: Likely pathogenic for Dominant Familial Mediterranean Fever. Last evaluated: 2024-03-29. Review status: criteria provided, single submitter. Criteria: LabCorp Variant Classification Summary - May 2015. Collection method: clinical testing. Allele origin: germline.
Comment: Variant summary: MEFV c.726C>A (p.Ser242Arg) results in a non-conservative amino acid change in the encoded protein sequence. Three of five in-silico tools predict a damaging effect of the variant on protein function. The variant was absent in 251260 control chromosomes (gnomAD). To our knowledge, c.726C>A has not been reported in the literature in individuals affected with Dominant Familial Mediterranean Fever. However, another variant resulting in the same amino acid change (c.726C>G) has been determined to be pathogenic. This variant has been found in multiple individuals affected with Familial autoinflammation with neutrophilic dermatosis, and p.Ser242Arg was found to increase inflammasome activation and cell death in vitro (e.g. PMID: 27030597, 33733382, 37481715). The following publication has been ascertained in the context of this evaluation (PMID: 34276053). ClinVar contains an entry for this variant (Variation ID: 97540). Based on the evidence outlined above, the variant was classified as likely pathogenic.

Fulgent Genetics
Classification: Likely pathogenic for Familial Mediterranean fever, autosomal dominant; Familial Mediterranean fever; Acute febrile neutrophilic dermatosis. Last evaluated: 2024-03-27. Review status: criteria provided, single submitter. Criteria: ACMG Guidelines, 2015. Collection method: clinical testing. Allele origin: germline.

Kasturba Medical College, Manipal, Kasturba Medical College, Manipal, Manipal Academy of Higher Education, Manipal, India
Classification: Pathogenic for Familial Mediterranean fever, autosomal dominant. Review status: criteria provided, single submitter. Criteria: ACMG Guidelines, 2015. Collection method: clinical testing. Allele origin: de novo. Inheritance: Autosomal dominant inheritance. Affected: yes.

Unité médicale des maladies autoinflammatoires, CHRU Montpellier
No classification provided. Condition: Familial Mediterranean fever. Review status: no classification provided. Collection method: not provided. Allele origin: unknown. Not counted in ClinVar's aggregate classification.

Literature cited by the submitters: PubMed 34276053 (cited by Women's Health and Genetics/Laboratory Corporation of America, LabCorp); PubMed 2703059 (cited by Kasturba Medical College, Manipal, Kasturba Medical College, Manipal, Manipal Academy of Higher Education, Manipal, India).

NM_000243.3(MEFV):c.726C>A (p.Ser242Arg)

Gene: MEFV (MEFV innate immunity regulator, pyrin; minus strand). Cytogenetic location: 16p13.3.
Variant type: single nucleotide variant.
Coding change: c.726C>A on transcript NM_000243.3 (MANE Select); coding-DNA position 726, C replaced by A.
Protein change: p.Ser242Arg; replaces serine 242 with arginine.
Molecular consequence: missense variant. On other transcripts: intron variant (1).
Genome position (GRCh38, 1-based): chr16:3,254,342, G>T on the plus strand (C>A on the coding strand, the complement: MEFV is on the minus strand). VCF-style: chr16-3254342-G-T. GRCh37 (hg19) VCF-style: chr16-3304342-G-T.
Other names: c.277+1969C>A (NM_001198536.2); short protein forms S242R.
Identifiers: ClinVar variation 97540 (VCV000097540.7), dbSNP rs104895127, ClinGen allele CA280647.